The following is an entry in ClinVar:

NM_052844.4(DYNC2I2):c.1063G>C (p.Glu355Gln)

Genes: DYNC2I2 (dynein 2 intermediate chain 2; minus strand), LOC126860772 (CDK7 strongly-dependent group 2 enhancer GRCh37_chr9:131396972-131398171; plus strand). Cytogenetic location: 9q34.11.
Variant type: single nucleotide variant.
Coding change: c.1063G>C on transcript NM_052844.4 (MANE Select); coding-DNA position 1063, G replaced by C.
Protein change: p.Glu355Gln; replaces glutamic acid 355 with glutamine.
Molecular consequence: missense variant.
Genome position (GRCh38, 1-based): chr9:128,634,840, C>G on the plus strand (G>C on the coding strand, the complement: DYNC2I2 is on the minus strand). VCF-style: chr9-128634840-C-G. GRCh37 (hg19) VCF-style: chr9-131397119-C-G.
Other names: short protein forms E355Q.
Identifiers: ClinVar variation 1989554 (VCV001989554.4), dbSNP rs778703897, ClinGen allele CA5266356.
Genomic context (GRCh38, chr9:128,634,840, plus strand): 5'-GCATCCGCGTGAGGGCTGCCTCTCCAGCTGCCAGGGAACACTTGAGCGGGAAGCCGCCTT[C>G]CGTGCCCAGAATGAACAGCCTAGGGTCAAAGCTGGAGAAGGCCACTGCCGTGGCGCCCAC-3'
Protein context (NP_443076.2, residues 345-365): FDPRLFILGT[Glu355Gln]GGFPLKCSLA

ClinVar aggregate classification (germline): Uncertain significance (1 of 4 stars; one submission).

Conditions:
Short-rib thoracic dysplasia 11 with or without polydactyly (SRTD11). Also called: SHORT-RIB THORACIC DYSPLASIA 11 WITHOUT POLYDACTYLY. Identifiers: Orphanet 474, Orphanet 93271, MedGen C3810200, MONDO:0014287, OMIM 615633.

Allele frequency attached by ClinVar (database versions not stated): ExAC 0.00001; gnomAD exomes 0.00002.
gnomAD v4.1: 26 of 1,613,538 alleles (0.0016%); highest among the groups gnomAD compares: Non-Finnish European, 0.0022%; no homozygotes.

Submission:

Labcorp Genetics (formerly Invitae), Labcorp
Classification: Uncertain significance for Short-rib thoracic dysplasia 11 with or without polydactyly. Last evaluated: 2022-09-02. Review status: criteria provided, single submitter. Criteria: Invitae Variant Classification Sherloc (09022015). Collection method: clinical testing. Allele origin: germline.
Comment: In summary, the available evidence is currently insufficient to determine the role of this variant in disease. Therefore, it has been classified as a Variant of Uncertain Significance. Algorithms developed to predict the effect of missense changes on protein structure and function (SIFT, PolyPhen-2, Align-GVGD) all suggest that this variant is likely to be disruptive. This variant has not been reported in the literature in individuals affected with WDR34-related conditions. This variant is present in population databases (rs778703897, gnomAD 0.002%). This sequence change replaces glutamic acid, which is acidic and polar, with glutamine, which is neutral and polar, at codon 355 of the WDR34 protein (p.Glu355Gln).